The following is an entry in ClinVar:

ClinVar aggregate classification (germline): Uncertain significance. Review status: criteria provided, multiple submitters, no conflicts (2 of 4 stars). 2 submissions from 2 submitters: Uncertain significance (2). Last evaluated 2022-12-20.

Conditions:
Bethlem myopathy 1A. Also called: MYOPATHY, BENIGN CONGENITAL, WITH CONTRACTURES; Bethlem myopathy 1; Bethlem Muscular Dystrophy. Identifiers: Orphanet 610, MedGen CN029274, MONDO:0024530, OMIM 158810.

Allele frequency attached by ClinVar (database versions not stated): gnomAD exomes below 0.00001; TOPMed below 0.00001; gnomAD 0.00001.
gnomAD v4.1: 3 of 1,609,112 alleles (0.00019%); highest among the groups gnomAD compares: African/African-American, 0.004%; no homozygotes.

Submissions (2):

Labcorp Genetics (formerly Invitae), Labcorp
Classification: Uncertain significance for Bethlem myopathy 1A. Last evaluated: 2022-12-20. Review status: criteria provided, single submitter. Criteria: Invitae Variant Classification Sherloc (09022015). Collection method: clinical testing. Allele origin: germline.
Comment: In summary, the available evidence is currently insufficient to determine the role of this variant in disease. Therefore, it has been classified as a Variant of Uncertain Significance. Advanced modeling of protein sequence and biophysical properties (such as structural, functional, and spatial information, amino acid conservation, physicochemical variation, residue mobility, and thermodynamic stability) performed at Invitae indicates that this missense variant is not expected to disrupt COL6A1 protein function. This variant has not been reported in the literature in individuals affected with COL6A1-related conditions. The frequency data for this variant in the population databases is considered unreliable, as metrics indicate poor data quality at this position in the gnomAD database. This sequence change replaces arginine, which is basic and polar, with lysine, which is basic and polar, at codon 456 of the COL6A1 protein (p.Arg456Lys).

Revvity Omics, Revvity
Classification: Uncertain significance. Last evaluated: 2022-02-07. Review status: criteria provided, single submitter. Criteria: ACMG Guidelines, 2015. Collection method: clinical testing. Allele origin: germline.

NM_001848.3(COL6A1):c.1367G>A (p.Arg456Lys)

Gene: COL6A1 (collagen type VI alpha 1 chain; plus strand). Cytogenetic location: 21q22.3.
Variant type: single nucleotide variant.
Coding change: c.1367G>A on transcript NM_001848.3 (MANE Select); coding-DNA position 1367, G replaced by A.
Protein change: p.Arg456Lys; replaces arginine 456 with lysine.
Molecular consequence: missense variant.
Genome position (GRCh38, 1-based): chr21:45,994,198, G>A. VCF-style: chr21-45994198-G-A. GRCh37 (hg19) VCF-style: chr21-47414112-G-A.
Other names: short protein forms R456K.
Identifiers: ClinVar variation 2440368 (VCV002440368.6), dbSNP rs1428472482, ClinGen allele CA410527077.